The following is an entry in ClinVar:

NM_000212.3(ITGB3):c.774T>A (p.Cys258Ter)

Genes: ITGB3 (integrin subunit beta 3; plus strand), LOC130061044 (ATAC-STARR-seq lymphoblastoid active region 12308; plus strand). Cytogenetic location: 17q21.32.
Variant type: single nucleotide variant.
Coding change: c.774T>A on transcript NM_000212.3 (MANE Select); coding-DNA position 774, T replaced by A.
Protein change: p.Cys258Ter; replaces cysteine 258 with a stop codon.
Molecular consequence: nonsense.
Genome position (GRCh38, 1-based): chr17:47,286,419, T>A. VCF-style: chr17-47286419-T-A. GRCh37 (hg19) VCF-style: chr17-45363785-T-A.
Other names: short protein forms C258*.
Identifiers: ClinVar variation 1210170 (VCV001210170.2), dbSNP rs2143097219, ClinGen allele CA400023704.
Genomic context (GRCh38, chr17:47,286,419, plus strand): 5'-GTCACGGAACCGAGATGCCCCAGAGGGTGGCTTTGATGCCATCATGCAGGCTACAGTCTG[T>A]GATGTGAGTTTGGAGGACTTGGAGTGCCAGGTGTGGCTGGCATAGATCAAAATGGGAAAG-3'

ClinVar aggregate classification (germline): Pathogenic. Review status: reviewed by expert panel (3 of 4 stars). 2 submissions from 2 submitters: Pathogenic (1). 1 of the submissions does not count toward it. Last evaluated 2021-06-15.

Conditions:
Glanzmann thrombasthenia 1 (GT1). Also called: BLEEDING DISORDER, PLATELET-TYPE, 2; GP IIb-IIIa COMPLEX DEFICIENCY; GLYCOPROTEIN COMPLEX IIb-IIIa DEFICIENCY; PLATELET FIBRINOGEN RECEPTOR DEFICIENCY. Identifiers: MedGen CN300358, MONDO:0031332, OMIM 273800.
Glanzmann thrombasthenia. Also called: THROMBASTHENIA OF GLANZMANN AND NAEGELI; PLATELET GLYCOPROTEIN IIb-IIIa DEFICIENCY; Thrombasthenia; Glanzmann's thrombasthenia. Identifiers: Orphanet 849, MedGen C0040015, MONDO:0100326.

Submissions (2):

ClinGen Platelet Disorders Variant Curation Expert Panel, ClinGen
Classification: Pathogenic for Glanzmann thrombasthenia. Last evaluated: 2021-06-15. Review status: reviewed by expert panel. Criteria: ClinGen Platelet ACMG Specifications v2. Collection method: curation. Allele origin: germline. Inheritance: Autosomal recessive inheritance.
Comment: The ITGB3 nonsense variant NM_000212.3:c.774T>A (p.Cys258Ter) is expected to introduce a premature termination codon and the resulting mRNA product is predicted to undergo nonsense mediated decay, leading to loss of normal protein function. This variant has been observed in homozygosity in one individual with a phenotype specific for Glanzmann's thrombasthenia (GT) (Patient N, PMID: 26096001). Furthermore, this variant is absent from population databases. In summary, this variant meets criteria to be classified as pathogenic for GT. GT-specific criteria applied: PVS1, PM2_supporting, PM3_supporting, PP4_moderate.

ISTH-SSC Genomics in Thrombosis and Hemostasis, KU Leuven, Center for Molecular and Vascular Biology
Classification: Likely pathogenic for Glanzmann thrombasthenia 1. Review status: no assertion criteria provided. Collection method: research. Allele origin: germline. Affected: yes. Not counted in ClinVar's aggregate classification.
Comment: Submitted to GoldVariant by Jose María Bastida from Grupo Español de Alteraciones Plaquetarias Congénitas (GEAPC), Salamanca, Spain